The following is an entry in ClinVar:

NM_001013838.3(CARMIL2):c.1197G>A (p.Trp399Ter)

Gene: CARMIL2 (capping protein regulator and myosin 1 linker 2; plus strand). Cytogenetic location: 16q22.1.
Variant type: single nucleotide variant.
Coding change: c.1197G>A on transcript NM_001013838.3 (MANE Select); coding-DNA position 1197, G replaced by A.
Protein change: p.Trp399Ter; replaces tryptophan 399 with a stop codon.
Molecular consequence: nonsense. On other transcripts: intron variant (1).
Genome position (GRCh38, 1-based): chr16:67,648,177, G>A. VCF-style: chr16-67648177-G-A. GRCh37 (hg19) VCF-style: chr16-67682080-G-A.
Other names: c.1149+48G>A (NM_001317026.3); short protein forms W399*.
Identifiers: ClinVar variation 2162530 (VCV002162530.4), dbSNP rs375267450, ClinGen allele CA8113368.

ClinVar aggregate classification (germline): Pathogenic (1 of 4 stars; one submission).

Allele frequency attached by ClinVar (database versions not stated): ExAC 0.00001; gnomAD 0.00004; ESP Exome Variant Server 0.00008; TOPMed 0.00008.
gnomAD v4.1: 16 of 1,610,248 alleles (0.00099%); highest among the groups gnomAD compares: African/African-American, 0.016%; no homozygotes.

Submission:

Labcorp Genetics (formerly Invitae), Labcorp
Classification: Pathogenic. Last evaluated: 2025-02-19. Review status: criteria provided, single submitter. Criteria: Invitae Variant Classification Sherloc (09022015). Collection method: clinical testing. Allele origin: germline.
Comment: This sequence change creates a premature translational stop signal (p.Trp399*) in the CARMIL2 gene. It is expected to result in an absent or disrupted protein product. Loss-of-function variants in CARMIL2 are known to be pathogenic (PMID: 27647349, 28112205). This variant is present in population databases (rs375267450, gnomAD 0.03%). This variant has not been reported in the literature in individuals affected with CARMIL2-related conditions. ClinVar contains an entry for this variant (Variation ID: 2162530). For these reasons, this variant has been classified as Pathogenic.

Literature cited by the submitters: PubMed 27647349; PubMed 28112205.